The following is an entry in ClinVar:

NM_001105206.3(LAMA4):c.2987G>C (p.Ser996Thr)

Gene: LAMA4 (laminin subunit alpha 4; minus strand). Cytogenetic location: 6q21.
Variant type: single nucleotide variant.
Coding change: c.2987G>C on transcript NM_001105206.3 (MANE Select); coding-DNA position 2987, G replaced by C.
Protein change: p.Ser996Thr; replaces serine 996 with threonine.
Molecular consequence: missense variant.
Genome position (GRCh38, 1-based): chr6:112,139,875, C>G on the plus strand (G>C on the coding strand, the complement: LAMA4 is on the minus strand). VCF-style: chr6-112139875-C-G. GRCh37 (hg19) VCF-style: chr6-112461077-C-G.
Other names: c.2966G>C, p.Ser989Thr (NM_001105207.3, NM_002290.5); short protein forms S996T, S989T.
Identifiers: ClinVar variation 1798220 (VCV001798220.2), dbSNP rs1554332641, ClinGen allele CA365379446.

ClinVar aggregate classification (germline): Uncertain significance (1 of 4 stars; one submission).

Conditions:
Cardiovascular phenotype. Identifiers: MedGen CN230736.

gnomAD v4.1: 2 of 1,614,046 alleles (0.00012%); highest among the groups gnomAD compares: Non-Finnish European, 0.000085%; no homozygotes.

Submission:

Ambry Genetics
Classification: Uncertain significance for Cardiovascular phenotype. Last evaluated: 2021-09-15. Review status: criteria provided, single submitter. Criteria: Ambry Variant Classification Scheme 2023. Collection method: clinical testing. Allele origin: germline.
Comment: The p.S989T variant (also known as c.2966G>C), located in coding exon 22 of the LAMA4 gene, results from a G to C substitution at nucleotide position 2966. The serine at codon 989 is replaced by threonine, an amino acid with similar properties. This amino acid position is conserved. In addition, this alteration is predicted to be tolerated by in silico analysis. Since supporting evidence is limited at this time, the clinical significance of this alteration remains unclear.